The following is an entry in ClinVar:

NM_001376.5(DYNC1H1):c.6268C>T (p.Leu2090Phe)

Gene: DYNC1H1 (dynein cytoplasmic 1 heavy chain 1; plus strand). Cytogenetic location: 14q32.31.
Variant type: single nucleotide variant.
Coding change: c.6268C>T on transcript NM_001376.5 (MANE Select); coding-DNA position 6268, C replaced by T.
Protein change: p.Leu2090Phe; replaces leucine 2090 with phenylalanine.
Molecular consequence: missense variant.
Genome position (GRCh38, 1-based): chr14:102,010,322, C>T. VCF-style: chr14-102010322-C-T. GRCh37 (hg19) VCF-style: chr14-102476659-C-T.
Other names: short protein forms L2090F.
Identifiers: ClinVar variation 2321718 (VCV002321718.2), dbSNP rs2503751910, ClinGen allele CA391054211.

ClinVar aggregate classification (germline): Likely pathogenic (1 of 4 stars; one submission).

Conditions:
Inborn genetic diseases. Identifiers: MedGen C0950123, MeSH D030342.

Submission:

Ambry Genetics
Classification: Likely pathogenic for Inborn genetic diseases. Last evaluated: 2022-12-09. Review status: criteria provided, single submitter. Criteria: Ambry Variant Classification Scheme 2023. Collection method: clinical testing. Allele origin: germline.
Comment: The c.6268C>T (p.L2090F) alteration is located in exon 31 (coding exon 31) of the DYNC1H1 gene. This alteration results from a C to T substitution at nucleotide position 6268, causing the leucine (L) at amino acid position 2090 to be replaced by a phenylalanine (F). This variant was not reported in population-based cohorts in the Genome Aggregation Database (gnomAD). This amino acid position is highly conserved in available vertebrate species. This missense alteration is located in a region that has a low rate of benign missense variation (Lek, 2016; Firth, 2009). The in silico prediction for this alteration is inconclusive. Based on the available evidence, this alteration is classified as likely pathogenic.